The following is an entry in ClinVar:

NM_001127208.3(TET2):c.5182G>T (p.Glu1728Ter)

Genes: TET2 (tet methylcytosine dioxygenase 2; plus strand), TET2-AS1 (TET2 antisense RNA 1; minus strand). Cytogenetic location: 4q24.
Variant type: single nucleotide variant.
Coding change: c.5182G>T on transcript NM_001127208.3 (MANE Select); coding-DNA position 5182, G replaced by T.
Protein change: p.Glu1728Ter; replaces glutamic acid 1728 with a stop codon.
Molecular consequence: nonsense.
Genome position (GRCh38, 1-based): chr4:105,275,692, G>T. VCF-style: chr4-105275692-G-T. GRCh37 (hg19) VCF-style: chr4-106196849-G-T.
Other names: short protein forms E1728*.
Identifiers: ClinVar variation 2745264 (VCV002745264.3), dbSNP rs2110314158, ClinGen allele CA357814866.
Genomic context (GRCh38, chr4:105,275,692, plus strand): 5'-AGTTGTACCATTAGACCAAATGTACATCATGTAGGGAAATTGCCTCCTTATCCCACTCAT[G>T]AGATGGATGGCCACTTCATGGGAGCCACCTCTAGATTACCACCCAATCTGAGCAATCCAA-3'

ClinVar aggregate classification (germline): Uncertain significance (1 of 4 stars; one submission).

Allele frequency attached by ClinVar (database versions not stated): gnomAD exomes below 0.00001.
gnomAD v4.1: 1 of 1,551,840 alleles (0.000064%); highest among the groups gnomAD compares: Non-Finnish European, 0.000087%; no homozygotes.

Submission:

Labcorp Genetics (formerly Invitae), Labcorp
Classification: Uncertain significance. Last evaluated: 2023-07-27. Review status: criteria provided, single submitter. Criteria: Invitae Variant Classification Sherloc (09022015). Collection method: clinical testing. Allele origin: germline.
Comment: This sequence change creates a premature translational stop signal (p.Glu1728*) in the TET2 gene. While this is not anticipated to result in nonsense mediated decay, it is expected to disrupt the last 275 amino acid(s) of the TET2 protein. This variant is not present in population databases (gnomAD no frequency). This variant has not been reported in the literature in individuals affected with TET2-related conditions. Experimental studies and prediction algorithms are not available or were not evaluated, and the functional significance of this variant is currently unknown. In summary, the available evidence is currently insufficient to determine the role of this variant in disease. Therefore, it has been classified as a Variant of Uncertain Significance.